The following is an entry in ClinVar:

ClinVar aggregate classification (germline): Uncertain significance. Review status: criteria provided, multiple submitters, no conflicts (2 of 4 stars). 4 submissions from 4 submitters: Uncertain significance (4). Last evaluated 2025-11-05.

Conditions:
Juvenile polyposis syndrome (JPS). Identifiers: Orphanet 2929, MedGen C0345893, MONDO:0017380, OMIM 174900.
Hereditary cancer-predisposing syndrome. Also called: Hereditary neoplastic syndrome; Neoplastic Syndromes, Hereditary; Hereditary Cancer Syndrome; Tumor predisposition. Identifiers: Orphanet 140162, MedGen C0027672, MeSH D009386, MONDO:0015356.

gnomAD v4.1: 1 of 1,614,002 alleles (0.000062%); no homozygotes.

Submissions (4):

Ambry Genetics
Classification: Uncertain significance for Hereditary cancer-predisposing syndrome. Last evaluated: 2025-11-05. Review status: criteria provided, single submitter. Criteria: Ambry Variant Classification Scheme 2023. Collection method: clinical testing. Allele origin: germline.
Comment: The p.N314S variant (also known as c.941A>G), located in coding exon 8 of the BMPR1A gene, results from an A to G substitution at nucleotide position 941. The asparagine at codon 314 is replaced by serine, an amino acid with highly similar properties. This amino acid position is conserved. In addition, the in silico prediction for this alteration is inconclusive. Since supporting evidence is limited at this time, the clinical significance of this alteration remains unclear.

Color Diagnostics, LLC DBA Color Health
Classification: Uncertain significance for Hereditary cancer-predisposing syndrome. Last evaluated: 2025-06-23. Review status: criteria provided, single submitter. Criteria: ACMG Guidelines, 2015. Collection method: clinical testing. Allele origin: germline.
Comment: This missense variant replaces asparagine with serine at codon 314 of the BMPR1A protein. Computational prediction suggests that this variant may not impact protein structure and function. To our knowledge, functional studies have not been reported for this variant. This variant has not been reported in individuals affected with BMPR1A-related disorders in the literature. This variant has not been identified in the general population by the Genome Aggregation Database (gnomAD). The available evidence is insufficient to determine the role of this variant in disease conclusively. Therefore, this variant is classified as a Variant of Uncertain Significance.

Labcorp Genetics (formerly Invitae), Labcorp
Classification: Uncertain significance for Juvenile polyposis syndrome. Last evaluated: 2021-08-31. Review status: criteria provided, single submitter. Criteria: Invitae Variant Classification Sherloc (09022015). Collection method: clinical testing. Allele origin: germline.
Comment: This sequence change replaces asparagine with serine at codon 314 of the BMPR1A protein (p.Asn314Ser). The asparagine residue is highly conserved and there is a small physicochemical difference between asparagine and serine. This variant is not present in population databases (ExAC no frequency). This variant has not been reported in the literature in individuals affected with BMPR1A-related conditions. Algorithms developed to predict the effect of missense changes on protein structure and function (SIFT, PolyPhen-2, Align-GVGD) all suggest that this variant is likely to be tolerated. In summary, the available evidence is currently insufficient to determine the role of this variant in disease. Therefore, it has been classified as a Variant of Uncertain Significance.

Quest Diagnostics Nichols Institute San Juan Capistrano
Classification: Uncertain significance. Last evaluated: 2018-07-06. Review status: criteria provided, single submitter. Criteria: Quest Diagnostics criteria. Collection method: clinical testing. Allele origin: germline.

NM_004329.3(BMPR1A):c.941A>G (p.Asn314Ser)

Gene: BMPR1A (bone morphogenetic protein receptor type 1A; plus strand). Cytogenetic location: 10q23.2.
Variant type: single nucleotide variant.
Coding change: c.941A>G on transcript NM_004329.3 (MANE Select); coding-DNA position 941, A replaced by G.
Protein change: p.Asn314Ser; replaces asparagine 314 with serine.
Molecular consequence: missense variant.
Genome position (GRCh38, 1-based): chr10:86,919,244, A>G. VCF-style: chr10-86919244-A-G. GRCh37 (hg19) VCF-style: chr10-88679001-A-G.
Other names: short protein forms N314S.
Identifiers: ClinVar variation 573262 (VCV000573262.12), dbSNP rs1564724169, ClinGen allele CA377460153.